The following is an entry in ClinVar:

ClinVar aggregate classification (germline): Uncertain significance (1 of 4 stars; one submission).

Conditions:
Rhabdoid tumor predisposition syndrome 2 (RTPS2). Identifiers: Orphanet 231108, Orphanet 69077, MedGen C2750074, MONDO:0013224, OMIM 613325.

Submission:

Labcorp Genetics (formerly Invitae), Labcorp
Classification: Uncertain significance for Rhabdoid tumor predisposition syndrome 2. Last evaluated: 2021-12-29. Review status: criteria provided, single submitter. Criteria: Invitae Variant Classification Sherloc (09022015). Collection method: clinical testing. Allele origin: germline.
Comment: This sequence change replaces aspartic acid, which is acidic and polar, with glutamic acid, which is acidic and polar, at codon 866 of the SMARCA4 protein (p.Asp866Glu). In summary, the available evidence is currently insufficient to determine the role of this variant in disease. Therefore, it has been classified as a Variant of Uncertain Significance. Algorithms developed to predict the effect of missense changes on protein structure and function (SIFT, PolyPhen-2, Align-GVGD) all suggest that this variant is likely to be disruptive. This variant has not been reported in the literature in individuals affected with SMARCA4-related conditions. This variant is not present in population databases (gnomAD no frequency).

NM_003072.5(SMARCA4):c.2598C>A (p.Asp866Glu)

Gene: SMARCA4 (SWI/SNF related BAF chromatin remodeling complex subunit ATPase 4; plus strand). Cytogenetic location: 19p13.2.
Variant type: single nucleotide variant.
Coding change: c.2598C>A on transcript NM_003072.5 (MANE Select); coding-DNA position 2598, C replaced by A.
Protein change: p.Asp866Glu; replaces aspartic acid 866 with glutamic acid.
Molecular consequence: missense variant. On other transcripts: non-coding transcript variant (1).
Genome position (GRCh38, 1-based): chr19:11,019,683, C>A. VCF-style: chr19-11019683-C-A. GRCh37 (hg19) VCF-style: chr19-11130359-C-A.
Other names: c.2598C>A, p.Asp866Glu (NM_001128844.3, NM_001128845.2, NM_001128846.2 and 6 more transcripts); short protein forms D866E.
Identifiers: ClinVar variation 2043317 (VCV002043317.4), dbSNP rs1600258491, ClinGen allele CA404054753.
Genomic context (GRCh38, chr19:11,019,683, plus strand): 5'-CCAGCTCCGGAGTGGGAAGTTCAACGTCTTGCTGACGACGTACGAGTACATCATCAAAGA[C>A]AAGCACATCCTCGCCAAGGTAACGTGTCCCTGTGGGAAATGCCAGGCCATGGGCCGAGTG-3'
Protein context (NP_003063.2, residues 856-876): LLTTYEYIIK[Asp866Glu]KHILAKIRWK